The following is an entry in ClinVar:

NM_000053.4(ATP7B):c.2463del (p.Met822fs)

Gene: ATP7B (ATPase copper transporting beta; minus strand). Cytogenetic location: 13q14.3.
Variant type: Deletion.
Coding change: c.2463del on transcript NM_000053.4 (MANE Select); coding-DNA position 2463, one base deleted (C; older notation c.2463delC).
Protein change: p.Met822fs; shifts the reading frame from methionine 822.
Molecular consequence: frameshift variant. On other transcripts: intron variant (1).
Genome position (GRCh38, 1-based): chr13:51,950,384, G deleted on the plus strand (C on the coding strand, the reverse complement: ATP7B is on the minus strand); the first of 4 consecutive G bases (chr13:51,950,384-51,950,387); deleting any one gives the same sequence. VCF-style (leftmost placement, unchanged base first): chr13-51950383-TG-T. GRCh37 (hg19) VCF-style: chr13-52524519-TG-T.
Other names: c.2115del, p.Met706fs (NM_001406543.1); c.1881del, p.Met628fs (NM_001406544.1); c.1815del, p.Met606fs (NM_001406545.1, NM_001406547.1); c.1977del, p.Met660fs (NM_001406546.1, NM_001005918.3, NM_001406541.1 and 1 more transcripts); c.1286-223del (NM_001406548.1); c.2130del, p.Met711fs (NM_001243182.2); c.2229del, p.Met744fs (NM_001330578.2, NM_001406527.1, NM_001406528.1 and 2 more transcripts); c.2211del, p.Met738fs (NM_001330579.2, NM_001406531.1, NM_001406532.1 and 1 more transcripts); and 8 more; short protein forms M628fs, M660fs, M706fs, M712fs, M738fs, M790fs, M606fs, M742fs.
Identifiers: ClinVar variation 4710099 (VCV004710099.1).

ClinVar aggregate classification (germline): Pathogenic (1 of 4 stars; one submission).

Conditions:
Wilson disease (WND). Also called: Wilson's disease. Identifiers: Orphanet 905, MedGen C0019202, MONDO:0010200, OMIM 277900. Disease mechanism: loss of function.

Submission:

Labcorp Genetics (formerly Invitae), Labcorp
Classification: Pathogenic for Wilson disease. Last evaluated: 2025-12-22. Review status: criteria provided, single submitter. Criteria: Invitae Variant Classification Sherloc (09022015). Collection method: clinical testing. Allele origin: germline.
Comment: This sequence change creates a premature translational stop signal (p.Met822Trpfs*51) in the ATP7B gene. It is expected to result in an absent or disrupted protein product. Loss-of-function variants in ATP7B are known to be pathogenic (PMID: 10441329, 16283883). This variant is not present in population databases (gnomAD no frequency). This premature translational stop signal has been observed in individual(s) with Wilson disease (PMID: 10502776). For these reasons, this variant has been classified as Pathogenic.

Literature cited by the submitters: PubMed 10441329; PubMed 16283883; PubMed 10502776.